The following is an entry in ClinVar:

ClinVar aggregate classification (germline): Uncertain significance. Review status: criteria provided, multiple submitters, no conflicts (2 of 4 stars). 2 submissions from 2 submitters: Uncertain significance (2). Last evaluated 2025-01-28.

Conditions:
Familial adenomatous polyposis 1 (FAP1). Also called: POLYPOSIS, ADENOMATOUS INTESTINAL; FAMILIAL ADENOMATOUS POLYPOSIS 1, ATTENUATED. Identifiers: MedGen C2713442, MONDO:0021056, OMIM 175100. Disease mechanism: loss of function.
Hereditary cancer-predisposing syndrome. Also called: Hereditary neoplastic syndrome; Neoplastic Syndromes, Hereditary; Tumor predisposition; Hereditary Cancer Syndrome. Identifiers: Orphanet 140162, MedGen C0027672, MeSH D009386, MONDO:0015356.

gnomAD v4.1: 1 of 1,611,238 alleles (0.000062%); no homozygotes.

Submissions (2):

Ambry Genetics
Classification: Uncertain significance for Hereditary cancer-predisposing syndrome. Last evaluated: 2025-01-28. Review status: criteria provided, single submitter. Criteria: Ambry Variant Classification Scheme 2023. Collection method: clinical testing. Allele origin: germline.
Comment: The p.S306G variant (also known as c.916A>G), located in coding exon 8 of the APC gene, results from an A to G substitution at nucleotide position 916. The serine at codon 306 is replaced by glycine, an amino acid with similar properties. This amino acid position is highly conserved in available vertebrate species. In addition, in silico predictors for this gene do not accurately predict pathogenicity. Since supporting evidence is limited at this time, the clinical significance of this alteration remains unclear.

Labcorp Genetics (formerly Invitae), Labcorp
Classification: Uncertain significance for Familial adenomatous polyposis 1. Last evaluated: 2021-11-24. Review status: criteria provided, single submitter. Criteria: Invitae Variant Classification Sherloc (09022015). Collection method: clinical testing. Allele origin: germline.
Comment: This sequence change replaces serine, which is neutral and polar, with glycine, which is neutral and non-polar, at codon 306 of the APC protein (p.Ser306Gly). This variant is not present in population databases (gnomAD no frequency). This variant has not been reported in the literature in individuals affected with APC-related conditions. ClinVar contains an entry for this variant (Variation ID: 470153). Algorithms developed to predict the effect of missense changes on protein structure and function are either unavailable or do not agree on the potential impact of this missense change (SIFT: "Deleterious"; PolyPhen-2: "Benign"; Align-GVGD: "Class C0"). In summary, the available evidence is currently insufficient to determine the role of this variant in disease. Therefore, it has been classified as a Variant of Uncertain Significance.

NM_000038.6(APC):c.916A>G (p.Ser306Gly)

Gene: APC (APC regulator of Wnt signaling pathway; plus strand). Cytogenetic location: 5q22.2.
Variant type: single nucleotide variant.
Coding change: c.916A>G on transcript NM_000038.6 (MANE Select); coding-DNA position 916, A replaced by G.
Protein change: p.Ser306Gly; replaces serine 306 with glycine.
Molecular consequence: missense variant.
Genome position (GRCh38, 1-based): chr5:112,815,576, A>G. VCF-style: chr5-112815576-A-G. GRCh37 (hg19) VCF-style: chr5-112151273-A-G.
Other names: c.916A>G, p.Ser306Gly (NM_001127510.3, NM_001354895.2, NM_001354896.2 and 1 more transcripts); c.862A>G, p.Ser288Gly (NM_001127511.3); c.946A>G, p.Ser316Gly (NM_001354897.2, NM_001354902.2); c.841A>G, p.Ser281Gly (NM_001354898.2, NM_001354904.2); c.832A>G, p.Ser278Gly (NM_001354899.2); c.739A>G, p.Ser247Gly (NM_001354900.2, NM_001354901.2, NM_001354905.2); c.67A>G, p.Ser23Gly (NM_001354906.2); short protein forms S306G, S288G, S281G, S316G, S23G, S247G, S278G.
Identifiers: ClinVar variation 470153 (VCV000470153.7), dbSNP rs1554079212, ClinGen allele CA16023315.